The following is an entry in ClinVar:

NM_005236.3(ERCC4):c.158G>A (p.Cys53Tyr)

Genes: ERCC4 (ERCC excision repair 4, endonuclease catalytic subunit; plus strand), LOC130058543 (ATAC-STARR-seq lymphoblastoid active region 10486; plus strand). Cytogenetic location: 16p13.12.
Variant type: single nucleotide variant.
Coding change: c.158G>A on transcript NM_005236.3 (MANE Select); coding-DNA position 158, G replaced by A.
Protein change: p.Cys53Tyr; replaces cysteine 53 with tyrosine.
Molecular consequence: missense variant.
Genome position (GRCh38, 1-based): chr16:13,920,323, G>A. VCF-style: chr16-13920323-G-A. GRCh37 (hg19) VCF-style: chr16-14014180-G-A.
Other names: short protein forms C53Y.
Identifiers: ClinVar variation 2930775 (VCV002930775.3), dbSNP rs2141937343, ClinGen allele CA394816363.

ClinVar aggregate classification (germline): Uncertain significance (1 of 4 stars; one submission).

Conditions:
Xeroderma pigmentosum, group F (XPF). Also called: ERCC4-Related Xeroderma Pigmentosum; XERODERMA PIGMENTOSUM, COMPLEMENTATION GROUP F; XERODERMA PIGMENTOSUM VI; XP, GROUP F; XERODERMA PIGMENTOSUM, TYPE F; Xeroderma pigmentosum, type 6. Identifiers: MedGen C0268140, MONDO:0010215, OMIM 278760.
Fanconi anemia complementation group Q. Identifiers: Orphanet 84, MedGen C3808988, MONDO:0014108, OMIM 615272.
Cockayne syndrome. Identifiers: Orphanet 191, MedGen C0009207, MONDO:0016006.

Allele frequency attached by ClinVar (database versions not stated): gnomAD exomes 0.00001.
gnomAD v4.1: 10 of 1,600,326 alleles (0.00062%); highest among the groups gnomAD compares: Non-Finnish European, 0.00076%; no homozygotes.

Submission:

Labcorp Genetics (formerly Invitae), Labcorp
Classification: Uncertain significance for Fanconi anemia complementation group Q; Xeroderma pigmentosum, group F; Cockayne syndrome. Last evaluated: 2024-03-20. Review status: criteria provided, single submitter. Criteria: Invitae Variant Classification Sherloc (09022015). Collection method: clinical testing. Allele origin: germline.
Comment: This sequence change replaces cysteine, which is neutral and slightly polar, with tyrosine, which is neutral and polar, at codon 53 of the ERCC4 protein (p.Cys53Tyr). This variant is not present in population databases (gnomAD no frequency). This variant has not been reported in the literature in individuals affected with ERCC4-related conditions. Advanced modeling of protein sequence and biophysical properties (such as structural, functional, and spatial information, amino acid conservation, physicochemical variation, residue mobility, and thermodynamic stability) performed at Invitae indicates that this missense variant is expected to disrupt ERCC4 protein function with a positive predictive value of 80%. In summary, the available evidence is currently insufficient to determine the role of this variant in disease. Therefore, it has been classified as a Variant of Uncertain Significance.